The following is an entry in ClinVar:

ClinVar aggregate classification (germline): Uncertain significance (1 of 4 stars; one submission).

Conditions:
Dilated cardiomyopathy 1II (CMD1II). Identifiers: Orphanet 154, MedGen C3554649, MONDO:0014073, OMIM 615184.

gnomAD v4.1: 1 of 1,614,206 alleles (0.000062%); highest among the groups gnomAD compares: Non-Finnish European, 0.000085%; no homozygotes.

Submission:

Labcorp Genetics (formerly Invitae), Labcorp
Classification: Uncertain significance for Dilated cardiomyopathy 1II. Last evaluated: 2025-07-31. Review status: criteria provided, single submitter. Criteria: Invitae Variant Classification Sherloc (09022015). Collection method: clinical testing. Allele origin: germline.
Comment: This sequence change replaces glutamic acid, which is acidic and polar, with aspartic acid, which is acidic and polar, at codon 71 of the CRYAB protein (p.Glu71Asp). This variant is not present in population databases (gnomAD no frequency). This variant has not been reported in the literature in individuals affected with CRYAB-related conditions. An algorithm developed to predict the effect of missense changes on protein structure and function outputs the following: PolyPhen-2: "Benign". The aspartic acid amino acid residue is found in multiple mammalian species, which suggests that this missense change does not adversely affect protein function. In summary, the available evidence is currently insufficient to determine the role of this variant in disease. Therefore, it has been classified as a Variant of Uncertain Significance.

NM_001289808.2(CRYAB):c.213G>T (p.Glu71Asp)

Gene: CRYAB (crystallin alpha B; minus strand). Cytogenetic location: 11q23.1.
Variant type: single nucleotide variant.
Coding change: c.213G>T on transcript NM_001289808.2 (MANE Select); coding-DNA position 213, G replaced by T.
Protein change: p.Glu71Asp; replaces glutamic acid 71 with aspartic acid.
Molecular consequence: missense variant.
Genome position (GRCh38, 1-based): chr11:111,910,438, C>A on the plus strand (G>T on the coding strand, the complement: CRYAB is on the minus strand). VCF-style: chr11-111910438-C-A. GRCh37 (hg19) VCF-style: chr11-111781162-C-A.
Other names: c.213G>T, p.Glu71Asp (NM_001289807.1, NM_001368245.1, NM_001885.3); c.12G>T, p.Glu4Asp (NM_001330379.1, NM_001368246.1); short protein forms E4D, E71D.
Identifiers: ClinVar variation 4812037 (VCV004812037.1).